The following is an entry in ClinVar:

ClinVar aggregate classification (germline): Uncertain significance (1 of 4 stars; one submission).

Conditions:
NIK deficiency. Also called: Primary immunodeficiency with multifaceted aberrant lymphoid immunity. Identifiers: Orphanet 447731, MedGen C5680065, MONDO:0018642.

Submission:

Labcorp Genetics (formerly Invitae), Labcorp
Classification: Uncertain significance for NIK deficiency. Last evaluated: 2020-08-11. Review status: criteria provided, single submitter. Criteria: Invitae Variant Classification Sherloc (09022015). Collection method: clinical testing. Allele origin: germline.
Comment: This sequence change affects an acceptor splice site in intron 2 of the MAP3K14 gene. It is expected to disrupt RNA splicing and likely results in an absent or disrupted protein product. This variant is not present in population databases (ExAC no frequency). This variant has not been reported in the literature in individuals with MAP3K14-related conditions. Experimental studies and prediction algorithms are not available or were not evaluated, and the effect of this variant on mRNA splicing is currently unknown. The current clinical and genetic evidence is not sufficient to establish whether loss-of-function variants in MAP3K14 cause disease. In summary, the available evidence is currently insufficient to determine the role of this variant in disease. Therefore, it has been classified as a Variant of Uncertain Significance.

NM_003954.5(MAP3K14):c.257-2A>G

Gene: MAP3K14 (mitogen-activated protein kinase kinase kinase 14; minus strand). Cytogenetic location: 17q21.31.
Variant type: single nucleotide variant.
Coding change: c.257-2A>G on transcript NM_003954.5 (MANE Select); the canonical splice acceptor site of the intron before coding-DNA position 257, A replaced by G.
Molecular consequence: splice acceptor variant.
Genome position (GRCh38, 1-based): chr17:45,289,307, T>C on the plus strand (A>G on the coding strand, the complement: MAP3K14 is on the minus strand). VCF-style: chr17-45289307-T-C. GRCh37 (hg19) VCF-style: chr17-43366673-T-C.
Identifiers: ClinVar variation 1051922 (VCV001051922.7), dbSNP rs2143827729, ClinGen allele CA399891940.